The following is an entry in ClinVar:

ClinVar aggregate classification (germline): Uncertain significance (1 of 4 stars; one submission).

gnomAD v4.1: 2 of 1,542,700 alleles (0.00013%); highest among the groups gnomAD compares: South Asian, 0.0012%; no homozygotes.

Submission:

Labcorp Genetics (formerly Invitae), Labcorp
Classification: Uncertain significance. Last evaluated: 2022-04-08. Review status: criteria provided, single submitter. Criteria: Invitae Variant Classification Sherloc (09022015). Collection method: clinical testing. Allele origin: germline.
Comment: In summary, the available evidence is currently insufficient to determine the role of this variant in disease. Therefore, it has been classified as a Variant of Uncertain Significance. Algorithms developed to predict the effect of missense changes on protein structure and function are either unavailable or do not agree on the potential impact of this missense change (SIFT: "Tolerated"; PolyPhen-2: "Possibly Damaging"; Align-GVGD: "Class C0"). This variant has not been reported in the literature in individuals affected with LRTOMT-related conditions. This variant is not present in population databases (gnomAD no frequency). This sequence change replaces threonine, which is neutral and polar, with arginine, which is basic and polar, at codon 168 of the LRTOMT protein (p.Thr168Arg).

NM_001145308.5(LRTOMT):c.503C>G (p.Thr168Arg)

Genes: ANAPC15 (anaphase promoting complex subunit 15; minus strand), LRTOMT (leucine rich transmembrane and O-methyltransferase domain containing; plus strand), TOMT (transmembrane O-methyltransferase; plus strand). Cytogenetic location: 11q13.4.
Variant type: single nucleotide variant.
Coding change: c.503C>G on transcript NM_001145308.5; coding-DNA position 503, C replaced by G.
Protein change: p.Thr168Arg; replaces threonine 168 with arginine.
Molecular consequence: missense variant. On other transcripts: intron variant (7), 3 prime UTR variant (3), non-coding transcript variant (1).
Genome position (GRCh38, 1-based): chr11:72,108,067, C>G. VCF-style: chr11-72108067-C-G. GRCh37 (hg19) VCF-style: chr11-71819113-C-G.
Other names: c.64-462G>C (NM_001393459.1); c.319-462G>C (NM_001393430.1, NM_001393429.1, NM_001393428.1 and 3 more transcripts); c.404C>G, p.Thr135Arg (NM_001393500.2); c.503C>G, p.Thr168Arg (NM_001145309.4); c.383C>G, p.Thr128Arg (NM_001145310.4); c.*752G>C (NM_001393443.1, NM_001393444.1, NM_001393445.1); short protein forms T128R, T168R, T135R.
Identifiers: ClinVar variation 2122990 (VCV002122990.4), dbSNP rs537610140, ClinGen allele CA381722338.